The following is an entry in ClinVar:

ClinVar aggregate classification (germline): Benign/Likely benign. Review status: criteria provided, multiple submitters, no conflicts (2 of 4 stars). 3 submissions from 3 submitters: Benign (1); Likely benign (1). 1 of the submissions does not count toward it. Last evaluated 2026-01-15.

Conditions:
BACH2-related disorder. Also called: BACH2-related condition.

Allele frequency attached by ClinVar (database versions not stated): gnomAD exomes 0.00020; ExAC 0.00026; ESP Exome Variant Server 0.00092; gnomAD 0.00100 and 0.00108; 1000 Genomes Project 0.00160; 1000 Genomes Project 30x 0.00219.
gnomAD v4.1: 304 of 1,614,148 alleles (0.019%); highest among the groups gnomAD compares: African/African-American, 0.26%; 2 homozygotes.

Submissions (3):

Labcorp Genetics (formerly Invitae), Labcorp
Classification: Benign. Last evaluated: 2026-01-15. Review status: criteria provided, single submitter. Criteria: Invitae Variant Classification Sherloc (09022015). Collection method: clinical testing. Allele origin: germline.

Blueprint Genetics
Classification: Likely benign. Last evaluated: 2024-08-06. Review status: criteria provided, single submitter. Criteria: ACMG Guidelines, 2015. Collection method: clinical testing. Allele origin: germline.

PreventionGenetics, part of Exact Sciences
Classification: Likely benign for BACH2-related condition. Last evaluated: 2023-06-08. Review status: no assertion criteria provided. Collection method: clinical testing. Allele origin: germline. Not counted in ClinVar's aggregate classification.
Comment: This variant is classified as likely benign based on ACMG/AMP sequence variant interpretation guidelines (Richards et al. 2015 PMID: 25741868, with internal and published modifications).

NM_021813.4(BACH2):c.168C>T (p.Ala56=)

Gene: BACH2 (BACH transcriptional regulator 2; minus strand). Cytogenetic location: 6q15.
Variant type: single nucleotide variant.
Coding change: c.168C>T on transcript NM_021813.4 (MANE Select); coding-DNA position 168, C replaced by T.
Protein change: p.Ala56=; no amino-acid change (alanine 56 retained).
Molecular consequence: synonymous variant.
Genome position (GRCh38, 1-based): chr6:90,008,677, G>A on the plus strand (C>T on the coding strand, the complement: BACH2 is on the minus strand). VCF-style: chr6-90008677-G-A. GRCh37 (hg19) VCF-style: chr6-90718396-G-A.
Other names: c.168C>T, p.Ala56= (NM_001170794.2); c.168C>T (NM_021813.3).
Identifiers: ClinVar variation 1166924 (VCV001166924.12), dbSNP rs146845001, ClinGen allele CA3928223.